The following is an entry in ClinVar:

ClinVar aggregate classification (germline): Uncertain significance (1 of 4 stars; one submission).

Conditions:
Long QT syndrome (LQTS). Identifiers: MedGen C0023976, MeSH D008133, MONDO:0002442. Disease mechanism: loss of function. Inheritance: Various modes of inheritance.

Submission:

Labcorp Genetics (formerly Invitae), Labcorp
Classification: Uncertain significance for Long QT syndrome. Last evaluated: 2024-09-22. Review status: criteria provided, single submitter. Criteria: Invitae Variant Classification Sherloc (09022015). Collection method: clinical testing. Allele origin: germline.
Comment: This sequence change replaces glutamic acid, which is acidic and polar, with glycine, which is neutral and non-polar, at codon 292 of the AKAP9 protein (p.Glu292Gly). This variant is not present in population databases (gnomAD no frequency). This variant has not been reported in the literature in individuals affected with AKAP9-related conditions. An algorithm developed to predict the effect of missense changes on protein structure and function (PolyPhen-2) suggests that this variant is likely to be disruptive. In summary, the available evidence is currently insufficient to determine the role of this variant in disease. Therefore, it has been classified as a Variant of Uncertain Significance.

NM_005751.5(AKAP9):c.875A>G (p.Glu292Gly)

Gene: AKAP9 (A-kinase anchoring protein 9; plus strand). Cytogenetic location: 7q21.2.
Variant type: single nucleotide variant.
Coding change: c.875A>G on transcript NM_005751.5 (MANE Select); coding-DNA position 875, A replaced by G.
Protein change: p.Glu292Gly; replaces glutamic acid 292 with glycine.
Molecular consequence: missense variant.
Genome position (GRCh38, 1-based): chr7:91,995,745, A>G. VCF-style: chr7-91995745-A-G. GRCh37 (hg19) VCF-style: chr7-91625059-A-G.
Other names: c.875A>G, p.Glu292Gly (NM_147185.3); short protein forms E292G.
Identifiers: ClinVar variation 3717478 (VCV003717478.2).